The following is an entry in ClinVar:

NM_001330078.2(NRXN1):c.2143+4G>T

Gene: NRXN1 (neurexin 1; minus strand). Cytogenetic location: 2p16.3.
Variant type: single nucleotide variant.
Coding change: c.2143+4G>T on transcript NM_001330078.2 (MANE Select); 4 bases into the intron after coding-DNA position 2143, G replaced by T.
Molecular consequence: intron variant.
Genome position (GRCh38, 1-based): chr2:50,538,249, C>A on the plus strand (G>T on the coding strand, the complement: NRXN1 is on the minus strand). VCF-style: chr2-50538249-C-A. GRCh37 (hg19) VCF-style: chr2-50765387-C-A.
Other names: c.2059+4G>T (NM_001330096.2, NM_001330087.2); c.2104+4G>T (NM_001330083.2, NM_001330084.2); c.2089+4G>T (NM_001330088.2); c.2140+4G>T (NM_001330093.2); c.2131+4G>T (NM_001330094.2); c.2119+4G>T (NM_001330095.2, NM_001330082.2, NM_001330077.2); c.2143+4G>T (NM_001330085.2, NM_004801.6, NM_001330086.2); c.2263+4G>T (NM_001135659.3).
Identifiers: ClinVar variation 4281255 (VCV004281255.7).

ClinVar aggregate classification (germline): Uncertain significance (1 of 4 stars; one submission).

Submission:

CeGaT Center for Human Genetics Tuebingen
Classification: Uncertain significance. Last evaluated: 2026-03-01. Review status: criteria provided, single submitter. Criteria: CeGaT Center For Human Genetics Tuebingen Variant Classification Criteria Version 2. Collection method: clinical testing. Allele origin: germline. Affected: yes. Observed: 1 variant allele.
Comment: NRXN1: PM2, BP4